The following is an entry in ClinVar:

NM_004385.5(VCAN):c.8680C>A (p.Pro2894Thr)

Genes: VCAN-AS1 (VCAN antisense RNA 1; minus strand), VCAN (versican; plus strand). Cytogenetic location: 5q14.3.
Variant type: single nucleotide variant.
Coding change: c.8680C>A on transcript NM_004385.5 (MANE Select); coding-DNA position 8680, C replaced by A.
Protein change: p.Pro2894Thr; replaces proline 2894 with threonine.
Molecular consequence: missense variant. On other transcripts: intron variant (2).
Genome position (GRCh38, 1-based): chr5:83,541,683, C>A. VCF-style: chr5-83541683-C-A. GRCh37 (hg19) VCF-style: chr5-82837502-C-A.
Other names: c.5719C>A, p.Pro1907Thr (NM_001164097.2); c.4004-3854C>A (NM_001164098.2); c.1043-3854C>A (NM_001126336.3); short protein forms P1907T, P2894T.
Identifiers: ClinVar variation 3646047 (VCV003646047.2).

ClinVar aggregate classification (germline): Uncertain significance (1 of 4 stars; one submission).

gnomAD v4.1: 1 of 1,613,904 alleles (0.000062%); highest among the groups gnomAD compares: Non-Finnish European, 0.000085%; no homozygotes.

Submission:

Labcorp Genetics (formerly Invitae), Labcorp
Classification: Uncertain significance. Last evaluated: 2024-03-15. Review status: criteria provided, single submitter. Criteria: Invitae Variant Classification Sherloc (09022015). Collection method: clinical testing. Allele origin: germline.
Comment: This sequence change replaces proline, which is neutral and non-polar, with threonine, which is neutral and polar, at codon 2894 of the VCAN protein (p.Pro2894Thr). This variant is not present in population databases (gnomAD no frequency). This variant has not been reported in the literature in individuals affected with VCAN-related conditions. An algorithm developed to predict the effect of missense changes on protein structure and function (PolyPhen-2) suggests that this variant is likely to be tolerated. In summary, the available evidence is currently insufficient to determine the role of this variant in disease. Therefore, it has been classified as a Variant of Uncertain Significance.